The following is an entry in ClinVar:

ClinVar aggregate classification (germline): Likely benign. Review status: criteria provided, multiple submitters, no conflicts (2 of 4 stars). 3 submissions from 3 submitters: Likely benign (3). Last evaluated 2024-04-25.

Conditions:
Malignant hyperthermia, susceptibility to, 5 (MHS5). Also called: CACNA1S-Related Malignant Hyperthermia Susceptibility. Identifiers: Orphanet 423, MedGen C1866077, MONDO:0011163, OMIM 601887.
Hypokalemic periodic paralysis, type 1. Also called: Hypokalemic Periodic Paralysis Type 1 (AD); HypoPP. Identifiers: Orphanet 681, MedGen C3714580, MONDO:0042979, OMIM 170400.

Allele frequency attached by ClinVar (database versions not stated): TOPMed below 0.00001; ExAC 0.00002; gnomAD 0.00002.
gnomAD v4.1: 4 of 1,614,048 alleles (0.00025%); highest among the groups gnomAD compares: Non-Finnish European, 0.00034%; no homozygotes.

Submissions (3):

All of Us Research Program, National Institutes of Health
Classification: Likely benign for Malignant hyperthermia, susceptibility to, 5. Last evaluated: 2024-04-25. Review status: criteria provided, single submitter. Criteria: ACMG Guidelines, 2015. Collection method: clinical testing. Allele origin: germline. Inheritance: Autosomal dominant inheritance. Observed: 1 variant allele, 1 heterozygote.
Comment: This study involves interpretation of variants in research participants for the purpose of population health screening. Participant phenotype was not available at the time of variant classification. Additional details can be found in publication PMID: 35346344, PMCID: PMC8962531

Color Diagnostics, LLC DBA Color Health
Classification: Likely benign for Malignant hyperthermia, susceptibility to, 5. Last evaluated: 2024-04-17. Review status: criteria provided, single submitter. Criteria: ACMG Guidelines, 2015. Collection method: clinical testing. Allele origin: germline.

Labcorp Genetics (formerly Invitae), Labcorp
Classification: Likely benign for Hypokalemic periodic paralysis, type 1; Malignant hyperthermia, susceptibility to, 5. Last evaluated: 2023-09-04. Review status: criteria provided, single submitter. Criteria: Invitae Variant Classification Sherloc (09022015). Collection method: clinical testing. Allele origin: germline.

NM_000069.3(CACNA1S):c.756C>T (p.Arg252=)

Gene: CACNA1S (calcium voltage-gated channel subunit alpha1 S; minus strand). Cytogenetic location: 1q32.1.
Variant type: single nucleotide variant.
Coding change: c.756C>T on transcript NM_000069.3 (MANE Select); coding-DNA position 756, C replaced by T.
Protein change: p.Arg252=; no amino-acid change (arginine 252 retained).
Molecular consequence: synonymous variant.
Genome position (GRCh38, 1-based): chr1:201,089,402, G>A on the plus strand (C>T on the coding strand, the complement: CACNA1S is on the minus strand). VCF-style: chr1-201089402-G-A. GRCh37 (hg19) VCF-style: chr1-201058530-G-A.
Identifiers: ClinVar variation 2954299 (VCV002954299.5), dbSNP rs756614304, ClinGen allele CA083989.